The following is an entry in ClinVar:

NM_203290.4(POLR1C):c.203T>C (p.Ile68Thr)

Gene: POLR1C (RNA polymerase I and III subunit C; plus strand). Cytogenetic location: 6p21.1.
Variant type: single nucleotide variant.
Coding change: c.203T>C on transcript NM_203290.4 (MANE Select); coding-DNA position 203, T replaced by C.
Protein change: p.Ile68Thr; replaces isoleucine 68 with threonine.
Molecular consequence: missense variant.
Genome position (GRCh38, 1-based): chr6:43,519,394, T>C. VCF-style: chr6-43519394-T-C. GRCh37 (hg19) VCF-style: chr6-43487132-T-C.
Other names: c.203T>C, p.Ile68Thr (NM_001318876.2, NM_001363658.2); short protein forms I68T.
Identifiers: ClinVar variation 2504854 (VCV002504854.3), dbSNP rs1793019828, ClinGen allele CA364281168.

ClinVar aggregate classification (germline): Uncertain significance. Review status: criteria provided, multiple submitters, no conflicts (2 of 4 stars). 2 submissions from 2 submitters: Uncertain significance (2). Last evaluated 2023-03-24.

Conditions:
Inborn genetic diseases. Identifiers: MedGen C0950123, MeSH D030342.

Allele frequency attached by ClinVar (database versions not stated): gnomAD exomes below 0.00001; TOPMed below 0.00001.

Submissions (2):

Ambry Genetics
Classification: Uncertain significance for Inborn genetic diseases. Last evaluated: 2023-03-24. Review status: criteria provided, single submitter. Criteria: Ambry Variant Classification Scheme 2023. Collection method: clinical testing. Allele origin: germline.

GeneDx
Classification: Uncertain significance. Last evaluated: 2022-12-09. Review status: criteria provided, single submitter. Criteria: GeneDx Variant Classification Process June 2021. Collection method: clinical testing. Allele origin: germline. Affected: yes.
Comment: Not observed at significant frequency in large population cohorts (gnomAD); In silico analysis supports that this missense variant has a deleterious effect on protein structure/function; Has not been previously published as pathogenic or benign to our knowledge